The following is an entry in ClinVar:

NM_014991.6(WDFY3):c.5115A>T (p.Lys1705Asn)

Gene: WDFY3 (WD repeat and FYVE domain containing 3; minus strand). Cytogenetic location: 4q21.23.
Variant type: single nucleotide variant.
Coding change: c.5115A>T on transcript NM_014991.6 (MANE Select); coding-DNA position 5115, A replaced by T.
Protein change: p.Lys1705Asn; replaces lysine 1705 with asparagine.
Molecular consequence: missense variant.
Genome position (GRCh38, 1-based): chr4:84,765,883, T>A on the plus strand (A>T on the coding strand, the complement: WDFY3 is on the minus strand). VCF-style: chr4-84765883-T-A. GRCh37 (hg19) VCF-style: chr4-85687036-T-A.
Other names: short protein forms K1705N.
Identifiers: ClinVar variation 4527646 (VCV004527646.1).

ClinVar aggregate classification (germline): Uncertain significance (1 of 4 stars; one submission).

Submission:

GeneDx
Classification: Uncertain significance. Last evaluated: 2025-04-23. Review status: criteria provided, single submitter. Criteria: GeneDx Variant Classification Process June 2021. Collection method: clinical testing. Allele origin: germline. Affected: yes.
Comment: Not observed at significant frequency in large population cohorts (gnomAD); In silico analysis supports that this missense variant has a deleterious effect on protein structure/function; Has not been previously published as pathogenic or benign to our knowledge